The following is an entry in ClinVar:

ClinVar aggregate classification (germline): Pathogenic/Likely pathogenic. Review status: criteria provided, multiple submitters, no conflicts (2 of 4 stars). 3 submissions from 3 submitters: Pathogenic (1); Likely pathogenic (1). 1 of the submissions does not count toward it. Last evaluated 2023-10-04.

Conditions:
Laterality defects, autosomal dominant. Identifiers: Orphanet 450, MedGen C1832813, MONDO:0010991, OMIM 601086.
Primary ciliary dyskinesia. Also called: Ciliary dyskinesia. Identifiers: Orphanet 244, MedGen C0008780, MONDO:0016575, HP:0012265.
Primary ciliary dyskinesia 7. Also called: CILIARY DYSKINESIA, PRIMARY, 7, WITH OR WITHOUT SITUS INVERSUS. Identifiers: Orphanet 244, MedGen C2678473, MONDO:0012748, OMIM 611884.

Allele frequency attached by ClinVar (database versions not stated): gnomAD exomes below 0.00001; TOPMed below 0.00001; gnomAD 0.00001.
gnomAD v4.1: 7 of 1,613,846 alleles (0.00043%); highest among the groups gnomAD compares: Non-Finnish European, 0.00059%; no homozygotes.

Submissions (3):

Labcorp Genetics (formerly Invitae), Labcorp
Classification: Pathogenic for Primary ciliary dyskinesia. Last evaluated: 2023-10-04. Review status: criteria provided, single submitter. Criteria: Invitae Variant Classification Sherloc (09022015). Collection method: clinical testing. Allele origin: germline.
Comment: This sequence change creates a premature translational stop signal (p.Trp802*) in the DNAH11 gene. It is expected to result in an absent or disrupted protein product. Loss-of-function variants in DNAH11 are known to be pathogenic (PMID: 18022865, 20513915, 22184204). This variant is not present in population databases (gnomAD no frequency). This premature translational stop signal has been observed in individual(s) with primary ciliary dyskinesia (PMID: 31040315, 32502479). ClinVar contains an entry for this variant (Variation ID: 1453371). For these reasons, this variant has been classified as Pathogenic.

Juno Genomics, Hangzhou Juno Genomics, Inc
Classification: Likely pathogenic for Primary ciliary dyskinesia 7. Review status: criteria provided, single submitter. Criteria: ACMG Guidelines, 2015. Collection method: clinical testing. Allele origin: germline.
Comment: Absent from controls (or at extremely low frequency if recessive) in Genome Aggregation Database.;Null variant in a gene where loss of function (LOF) is a known mechanism of disease.

Shanghai Key Laboratory of Birth Defects, Children's Hospital of Fudan University
Classification: Likely pathogenic for Laterality defects, autosomal dominant. Review status: no assertion criteria provided. Collection method: research. Allele origin: inherited. Affected: yes. Not counted in ClinVar's aggregate classification.

Literature cited by the submitters: PubMed 18022865 (cited by Labcorp Genetics (formerly Invitae), Labcorp); PubMed 20513915 (cited by Labcorp Genetics (formerly Invitae), Labcorp); PubMed 22184204 (cited by Labcorp Genetics (formerly Invitae), Labcorp); PubMed 31040315 (cited by Labcorp Genetics (formerly Invitae), Labcorp); PubMed 32502479 (cited by Labcorp Genetics (formerly Invitae), Labcorp).

NM_001277115.2(DNAH11):c.2406G>A (p.Trp802Ter)

Gene: DNAH11 (dynein axonemal heavy chain 11; plus strand). Cytogenetic location: 7p15.3.
Variant type: single nucleotide variant.
Coding change: c.2406G>A on transcript NM_001277115.2 (MANE Select); coding-DNA position 2406, G replaced by A.
Protein change: p.Trp802Ter; replaces tryptophan 802 with a stop codon.
Molecular consequence: nonsense.
Genome position (GRCh38, 1-based): chr7:21,591,316, G>A. VCF-style: chr7-21591316-G-A. GRCh37 (hg19) VCF-style: chr7-21630934-G-A.
Other names: short protein forms W802*.
Identifiers: ClinVar variation 1453371 (VCV001453371.17), dbSNP rs1310930757, ClinGen allele CA366942632.
Genomic context (GRCh38, chr7:21,591,316, plus strand): 5'-CCCTCTGATTGAAGATGAGCTGAGGGCTATTGACGAGCAGCTGACAGCAGCCACAACGTG[G>A]CTGACATGGCAGGATGACTGCTGGGGCTACATCGAGAGGGTGAGGGCAGCCACGTCCGAG-3'